The following is an entry in ClinVar:

NM_014675.5(CROCC):c.614G>A (p.Arg205Gln)

Gene: CROCC (ciliary rootlet coiled-coil, rootletin; plus strand). Cytogenetic location: 1p36.13.
Variant type: single nucleotide variant.
Coding change: c.614G>A on transcript NM_014675.5 (MANE Select); coding-DNA position 614, G replaced by A.
Protein change: p.Arg205Gln; replaces arginine 205 with glutamine.
Molecular consequence: missense variant.
Genome position (GRCh38, 1-based): chr1:16,930,200, G>A. VCF-style: chr1-16930200-G-A. GRCh37 (hg19) VCF-style: chr1-17256695-G-A.
Other names: short protein forms R205Q.
Identifiers: ClinVar variation 2638367 (VCV002638367.24), dbSNP rs140045815, ClinGen allele CA634080.

ClinVar aggregate classification (germline): Likely benign (1 of 4 stars; one submission).

Allele frequency attached by ClinVar (database versions not stated): 1000 Genomes Project 0.00060; 1000 Genomes Project 30x 0.00062; ESP Exome Variant Server 0.00139; gnomAD 0.00262; gnomAD exomes 0.00273; ExAC 0.00484.
gnomAD v4.1: 4,320 of 1,588,564 alleles (0.27%); highest among the groups gnomAD compares: Non-Finnish European, 0.25%; no homozygotes.

Submission:

CeGaT Center for Human Genetics Tuebingen
Classification: Likely benign. Last evaluated: 2023-03-01. Review status: criteria provided, single submitter. Criteria: CeGaT Center For Human Genetics Tuebingen Variant Classification Criteria Version 2. Collection method: clinical testing. Allele origin: germline. Affected: yes. Observed: 1 variant allele.
Comment: CROCC: BP4, BS1